The following is an entry in ClinVar:

NM_001386094.1(AGBL1):c.2086C>T (p.Arg696Cys)

Gene: AGBL1 (AGBL carboxypeptidase 1; plus strand). Cytogenetic location: 15q25.3.
Variant type: single nucleotide variant.
Coding change: c.2086C>T on transcript NM_001386094.1 (MANE Select); coding-DNA position 2086, C replaced by T.
Protein change: p.Arg696Cys; replaces arginine 696 with cysteine.
Molecular consequence: missense variant.
Genome position (GRCh38, 1-based): chr15:86,279,649, C>T. VCF-style: chr15-86279649-C-T. GRCh37 (hg19) VCF-style: chr15-86822880-C-T.
Other names: c.2086C>T, p.Arg696Cys (NM_152336.4); short protein forms R696C.
Identifiers: ClinVar variation 3037207 (VCV003037207.2), dbSNP rs148822619, ClinGen allele CA7715971.

ClinVar aggregate classification (germline): Likely benign (0 of 4 stars; one submission).

Conditions:
AGBL1-related disorder. Also called: AGBL1-related condition.

Allele frequency attached by ClinVar (database versions not stated): gnomAD 0.00048; ExAC 0.00050; gnomAD exomes 0.00061; 1000 Genomes Project 30x 0.00219; 1000 Genomes Project 0.00280.
gnomAD v4.1: 940 of 1,613,190 alleles (0.058%); highest among the groups gnomAD compares: East Asian, 1.8%; 18 homozygotes.

Submission:

PreventionGenetics, part of Exact Sciences
Classification: Likely benign for AGBL1-related condition. Last evaluated: 2019-05-09. Review status: no assertion criteria provided. Collection method: clinical testing. Allele origin: germline.
Comment: This variant is classified as likely benign based on ACMG/AMP sequence variant interpretation guidelines (Richards et al. 2015 PMID: 25741868, with internal and published modifications).